The following is an entry in ClinVar:

ClinVar aggregate classification (germline): Uncertain significance (1 of 4 stars; one submission).

Allele frequency attached by ClinVar (database versions not stated): gnomAD exomes below 0.00001.

Submission:

GeneDx
Classification: Uncertain significance. Last evaluated: 2021-02-17. Review status: criteria provided, single submitter. Criteria: GeneDx Variant Classification Process June 2021. Collection method: clinical testing. Allele origin: germline. Affected: yes.
Comment: Not observed in large population cohorts (Lek et al., 2016); In silico analysis supports that this missense variant does not alter protein structure/function; Has not been previously published as pathogenic or benign to our knowledge; In silico analysis, which includes splice predictors and evolutionary conservation, suggests this variant may impact gene splicing. In the absence of RNA/functional studies, the actual effect of this sequence change is unknown.

NM_001122659.3(EDNRB):c.482A>G (p.Lys161Arg)

Gene: EDNRB (endothelin receptor type B; minus strand). Cytogenetic location: 13q22.3.
Variant type: single nucleotide variant.
Coding change: c.482A>G on transcript NM_001122659.3 (MANE Select); coding-DNA position 482, A replaced by G.
Protein change: p.Lys161Arg; replaces lysine 161 with arginine.
Molecular consequence: missense variant.
Genome position (GRCh38, 1-based): chr13:77,918,092, T>C on the plus strand (A>G on the coding strand, the complement: EDNRB is on the minus strand). VCF-style: chr13-77918092-T-C. GRCh37 (hg19) VCF-style: chr13-78492227-T-C.
Other names: c.482A>G, p.Lys161Arg (NM_000115.5, NM_003991.4); c.752A>G, p.Lys251Arg (NM_001201397.2); short protein forms K161R, K251R.
Identifiers: ClinVar variation 1304223 (VCV001304223.2), dbSNP rs2137639179, ClinGen allele CA388452240.